The following is an entry in ClinVar:

ClinVar aggregate classification (germline): Uncertain significance (1 of 4 stars; one submission).

Allele frequency attached by ClinVar (database versions not stated): gnomAD exomes below 0.00001; TOPMed 0.00002.
gnomAD v4.1: 2 of 1,312,720 alleles (0.00015%); highest among the groups gnomAD compares: Admixed American, 0.0041%; no homozygotes.

Submission:

Ambry Genetics
Classification: Uncertain significance. Last evaluated: 2024-01-14. Review status: criteria provided, single submitter. Criteria: Ambry Variant Classification Scheme 2023. Collection method: clinical testing. Allele origin: germline.
Comment: The p.S125L variant (also known as c.374C>T), located in coding exon 1 of the EGLN1 gene, results from a C to T substitution at nucleotide position 374. The serine at codon 125 is replaced by leucine, an amino acid with dissimilar properties. This amino acid position is conserved. In addition, this alteration is predicted to be tolerated by in silico analysis. Since supporting evidence is limited at this time, the clinical significance of this alteration remains unclear.

NM_022051.3(EGLN1):c.374C>T (p.Ser125Leu)

Gene: EGLN1 (egl-9 family hypoxia inducible factor 1; minus strand). Cytogenetic location: 1q42.2.
Variant type: single nucleotide variant.
Coding change: c.374C>T on transcript NM_022051.3 (MANE Select); coding-DNA position 374, C replaced by T.
Protein change: p.Ser125Leu; replaces serine 125 with leucine.
Molecular consequence: missense variant.
Genome position (GRCh38, 1-based): chr1:231,421,515, G>A on the plus strand (C>T on the coding strand, the complement: EGLN1 is on the minus strand). VCF-style: chr1-231421515-G-A. GRCh37 (hg19) VCF-style: chr1-231557261-G-A.
Other names: c.374C>T, p.Ser125Leu (NM_001377260.1, NM_001377261.1); short protein forms S125L.
Identifiers: ClinVar variation 1734545 (VCV001734545.2), dbSNP rs1212457845, ClinGen allele CA345237388.